The following is an entry in ClinVar:

NM_000093.5(COL5A1):c.4175G>A (p.Arg1392Lys)

Gene: COL5A1 (collagen type V alpha 1 chain; plus strand). Cytogenetic location: 9q34.3.
Variant type: single nucleotide variant.
Coding change: c.4175G>A on transcript NM_000093.5 (MANE Select); coding-DNA position 4175, G replaced by A.
Protein change: p.Arg1392Lys; replaces arginine 1392 with lysine.
Molecular consequence: missense variant.
Genome position (GRCh38, 1-based): chr9:134,817,078, G>A. VCF-style: chr9-134817078-G-A. GRCh37 (hg19) VCF-style: chr9-137708924-G-A.
Other names: p.R1392K:AGG>AAG; c.4175G>A, p.Arg1392Lys (NM_001278074.1); short protein forms R1392K.
Identifiers: ClinVar variation 213052 (VCV000213052.14), dbSNP rs863223479, ClinGen allele CA322273.

ClinVar aggregate classification (germline): Uncertain significance. Review status: criteria provided, multiple submitters, no conflicts (2 of 4 stars). 4 submissions from 4 submitters: Uncertain significance (4). Last evaluated 2025-09-10.

Conditions:
Ehlers-Danlos syndrome, classic type, 1 (EDSCL1). Also called: Ehlers-Danlos Syndrome, Classic Type, COL5A1-Related; EHLERS-DANLOS SYNDROME, GRAVIS TYPE; EHLERS-DANLOS SYNDROME, SEVERE CLASSIC TYPE; Ehlers-Danlos syndrome, type 1; EDS I. Identifiers: MedGen C0268335, MONDO:0019567, OMIM 130000.
Fibromuscular dysplasia, multifocal. Identifiers: MedGen C5543412, MONDO:0859151, OMIM 619329.
Familial thoracic aortic aneurysm and aortic dissection (TAAD). Also called: Thoracic aortic aneurysms and dissections. Identifiers: Orphanet 91387, MedGen C4707243, MONDO:0019625.

Allele frequency attached by ClinVar (database versions not stated): gnomAD exomes below 0.00001.
gnomAD v4.1: 6 of 1,613,366 alleles (0.00037%); highest among the groups gnomAD compares: East Asian, 0.0045%; no homozygotes.

Submissions (4):

Labcorp Genetics (formerly Invitae), Labcorp
Classification: Uncertain significance for Ehlers-Danlos syndrome, classic type, 1. Last evaluated: 2025-09-10. Review status: criteria provided, single submitter. Criteria: Invitae Variant Classification Sherloc (09022015). Collection method: clinical testing. Allele origin: germline.
Comment: This sequence change replaces arginine, which is basic and polar, with lysine, which is basic and polar, at codon 1392 of the COL5A1 protein (p.Arg1392Lys). This variant is not present in population databases (gnomAD no frequency). This variant has not been reported in the literature in individuals affected with COL5A1-related conditions. ClinVar contains an entry for this variant (Variation ID: 213052). Experimental studies and prediction algorithms are not available or were not evaluated, and the functional significance of this variant is currently unknown. In summary, the available evidence is currently insufficient to determine the role of this variant in disease. Therefore, it has been classified as a Variant of Uncertain Significance.

Fulgent Genetics
Classification: Uncertain significance for Ehlers-Danlos syndrome, classic type, 1; Fibromuscular dysplasia, multifocal. Last evaluated: 2021-10-07. Review status: criteria provided, single submitter. Criteria: ACMG Guidelines, 2015. Collection method: clinical testing. Allele origin: unknown.

GeneDx
Classification: Uncertain significance. Last evaluated: 2020-12-04. Review status: criteria provided, single submitter. Criteria: GeneDx Variant Classification Process June 2021. Collection method: clinical testing. Allele origin: germline. Affected: yes.
Comment: Has not been previously published as pathogenic or benign to our knowledge; Reported in ClinVar as a variant of uncertain significance (ClinVar Variant ID# 213052; Landrum et al., 2016); Not observed in large population cohorts (Lek et al., 2016); In silico analysis supports that this missense variant has a deleterious effect on protein structure/function; Occurs in the triple helical domain at the Y position in the canonical Gly-X-Y repeat; although this variant may have an effect on normal protein folding and function, missense substitution at the Y position is not a common mechanism of disease (Symoens et al., 2012; Stenson et al., 2014)

Ambry Genetics
Classification: Uncertain significance for Familial thoracic aortic aneurysm and aortic dissection. Last evaluated: 2020-08-12. Review status: criteria provided, single submitter. Criteria: Ambry Variant Classification Scheme 2023. Collection method: clinical testing. Allele origin: germline.
Comment: The p.R1392K variant (also known as c.4175G>A), located in coding exon 53 of the COL5A1 gene, results from a G to A substitution at nucleotide position 4175. The arginine at codon 1392 is replaced by lysine, an amino acid with highly similar properties. This amino acid position is well conserved in available vertebrate species. In addition, the in silico prediction for this alteration is inconclusive. Since supporting evidence is limited at this time, the clinical significance of this alteration remains unclear.